The following is an entry in ClinVar:

ClinVar aggregate classification (germline): Uncertain significance (1 of 4 stars; one submission).

Conditions:
Early-infantile DEE. Also called: Ohtahara syndrome; Early infantile epileptic encephalopathy; Early infantile epileptic encephalopathy with suppression bursts. Identifiers: Orphanet 1934, MedGen C0393706, MONDO:0800491.

gnomAD v4.1: 1 of 1,613,278 alleles (0.000062%); no homozygotes.

Submission:

Labcorp Genetics (formerly Invitae), Labcorp
Classification: Uncertain significance for Early-infantile DEE. Last evaluated: 2020-07-12. Review status: criteria provided, single submitter. Criteria: Invitae Variant Classification Sherloc (09022015). Collection method: clinical testing. Allele origin: germline.
Comment: In summary, the available evidence is currently insufficient to determine the role of this variant in disease. Therefore, it has been classified as a Variant of Uncertain Significance. Algorithms developed to predict the effect of missense changes on protein structure and function are either unavailable or do not agree on the potential impact of this missense change (SIFT: "Deleterious"; PolyPhen-2: "Possibly Damaging"; Align-GVGD: "Class C0"). This variant has not been reported in the literature in individuals with SCN8A-related conditions. This variant is not present in population databases (ExAC no frequency). This sequence change replaces aspartic acid with glutamic acid at codon 1810 of the SCN8A protein (p.Asp1810Glu). The aspartic acid residue is highly conserved and there is a small physicochemical difference between aspartic acid and glutamic acid.

NM_001330260.2(SCN8A):c.5430C>A (p.Asp1810Glu)

Gene: SCN8A (sodium voltage-gated channel alpha subunit 8; plus strand). Cytogenetic location: 12q13.13.
Variant type: single nucleotide variant.
Coding change: c.5430C>A on transcript NM_001330260.2 (MANE Select); coding-DNA position 5430, C replaced by A.
Protein change: p.Asp1810Glu; replaces aspartic acid 1810 with glutamic acid.
Molecular consequence: missense variant.
Genome position (GRCh38, 1-based): chr12:51,806,916, C>A. VCF-style: chr12-51806916-C-A. GRCh37 (hg19) VCF-style: chr12-52200700-C-A.
Other names: c.5307C>A, p.Asp1769Glu (NM_001177984.3, NM_001369788.1); c.5430C>A, p.Asp1810Glu (NM_014191.4); short protein forms D1769E, D1810E.
Identifiers: ClinVar variation 1023022 (VCV001023022.9), dbSNP rs1295392795, ClinGen allele CA384886109.
Genomic context (GRCh38, chr12:51,806,916, plus strand): 5'-GATCTGGGAGAAGTTCGACCCCGATGCCACCCAGTTCATTGAGTACTGTAAGCTGGCAGA[C>A]TTTGCAGATGCCTTGGAGCATCCTCTCCGAGTGCCCAAGCCCAATACCATTGAGCTCATC-3'
Protein context (NP_001317189.1, residues 1800-1820): TQFIEYCKLA[Asp1810Glu]FADALEHPLR